The following is an entry in ClinVar:

NM_001035.3(RYR2):c.4695T>C (p.Pro1565=)

Gene: RYR2 (ryanodine receptor 2; plus strand). Cytogenetic location: 1q43.
Variant type: single nucleotide variant.
Coding change: c.4695T>C on transcript NM_001035.3 (MANE Select); coding-DNA position 4695, T replaced by C.
Protein change: p.Pro1565=; no amino-acid change (proline 1565 retained).
Molecular consequence: synonymous variant.
Genome position (GRCh38, 1-based): chr1:237,610,773, T>C. VCF-style: chr1-237610773-T-C. GRCh37 (hg19) VCF-style: chr1-237774073-T-C.
Other names: c.4695T>C, p.Pro1565= (LRG_402t1).
Identifiers: ClinVar variation 296725 (VCV000296725.29), dbSNP rs368826662, ClinGen allele CA073302.
Genomic context (GRCh38, chr1:237,610,773, plus strand): 5'-CCCAAGGGATGTTCTACATTTATTCTTTTTCTGCCTCCCCATCCGCTAGAATGTGATGCC[T>C]CTCTCGGCGGGATTATTCAAGAGTGAGCACAAGAACCCCGTGCCGCAGTGCCCCCCGCGC-3'
Protein context (NP_001026.2, residues 1555-1575): FELGRIKNVM[Pro1565=]LSAGLFKSEH

ClinVar aggregate classification (germline): Benign/Likely benign. Review status: criteria provided, multiple submitters, no conflicts (2 of 4 stars). 10 submissions from 9 submitters: Benign (6); Likely benign (4). Last evaluated 2026-01-10.

Conditions:
Cardiovascular phenotype. Identifiers: MedGen CN230736.
Catecholaminergic polymorphic ventricular tachycardia (CVPT). Also called: Catecholamine-induced polymorphic ventricular tachycardia. Identifiers: Orphanet 3286, MedGen C5574922, MONDO:0017990.
Cardiomyopathy (CMYO). Also called: Cardiomyopathies. Identifiers: Orphanet 167848, MedGen C0878544, MONDO:0004994, HP:0001638. Inheritance: Various modes of inheritance.
Catecholaminergic polymorphic ventricular tachycardia 1. Also called: VENTRICULAR TACHYCARDIA, STRESS-INDUCED POLYMORPHIC 1; VENTRICULAR TACHYCARDIA, CATECHOLAMINERGIC POLYMORPHIC, 1, WITH OR WITHOUT ATRIAL DYSFUNCTION AND/OR DILATED CARDIOMYOPATHY; RYR2-Related Catecholaminergic Polymorphic Ventricular Tachycardia. Identifiers: Orphanet 3286, MedGen C1631597, MONDO:0011484, OMIM 604772.
Arrhythmogenic right ventricular dysplasia 2. Identifiers: MedGen C1832931.

Allele frequency attached by ClinVar (database versions not stated): gnomAD 0.00006 and 0.00007; gnomAD exomes 0.00007 and 0.00022; TOPMed 0.00011; 1000 Genomes Project 30x 0.00016; 1000 Genomes Project 0.00020; ExAC 0.00043.
gnomAD v4.1: 115 of 1,604,364 alleles (0.0072%); highest among the groups gnomAD compares: East Asian, 0.24%; no homozygotes.

Submissions (10):

Labcorp Genetics (formerly Invitae), Labcorp
Classification: Benign for Catecholaminergic polymorphic ventricular tachycardia 1. Last evaluated: 2026-01-10. Review status: criteria provided, single submitter. Criteria: Invitae Variant Classification Sherloc (09022015). Collection method: clinical testing. Allele origin: germline.

Molecular Diagnostic Laboratory for Inherited Cardiovascular Disease, Montreal Heart Institute
Classification: Likely benign. Last evaluated: 2025-07-24. Review status: criteria provided, single submitter. Criteria: ACMG Guidelines, 2015. Collection method: clinical testing. Allele origin: germline. Affected: no.
Comment: BS1;BP7

All of Us Research Program, National Institutes of Health
Classification: Benign for Catecholaminergic polymorphic ventricular tachycardia. Last evaluated: 2023-11-30. Review status: criteria provided, single submitter. Criteria: ACMG Guidelines, 2015. Collection method: clinical testing. Allele origin: germline. Inheritance: Autosomal dominant inheritance. Observed: 15 variant alleles, 15 heterozygotes.
Comment: This study involves interpretation of variants in research participants for the purpose of population health screening. Participant phenotype was not available at the time of variant classification. Additional details can be found in publication PMID: 35346344, PMCID: PMC8962531

Women's Health and Genetics/Laboratory Corporation of America, LabCorp
Classification: Benign. Last evaluated: 2023-07-10. Review status: criteria provided, single submitter. Criteria: LabCorp Variant Classification Summary - May 2015. Collection method: clinical testing. Allele origin: germline.

Blueprint Genetics
Classification: Likely benign. Last evaluated: 2022-03-16. Review status: criteria provided, single submitter. Criteria: ACMG Guidelines, 2015. Collection method: clinical testing. Allele origin: germline.

Color Diagnostics, LLC DBA Color Health
Classification: Benign for Cardiomyopathy. Last evaluated: 2018-04-26. Review status: criteria provided, single submitter. Criteria: ACMG Guidelines, 2015. Collection method: clinical testing. Allele origin: germline.

Illumina Laboratory Services, Illumina
Classification: Benign for Catecholaminergic polymorphic ventricular tachycardia 1. Last evaluated: 2018-01-13. Review status: criteria provided, single submitter. Criteria: ICSL Variant Classification Criteria 13 December 2019. Collection method: clinical testing. Allele origin: germline.
Comment: This variant was observed in the ICSL laboratory as part of a predisposition screen in an ostensibly healthy population. It had not been previously curated by ICSL or reported in the Human Gene Mutation Database (HGMD: prior to June 1st, 2018), and was therefore a candidate for classification through an automated scoring system. Utilizing variant allele frequency, disease prevalence and penetrance estimates, and inheritance mode, an automated score was calculated to assess if this variant is too frequent to cause the disease. Based on the score and internal cut-off values, a variant classified as benign is not then subjected to further curation. The score for this variant resulted in a classification of benign for this disease.

Illumina Laboratory Services, Illumina
Classification: Likely benign for Catecholaminergic polymorphic ventricular tachycardia 1. Last evaluated: 2018-01-13. Review status: criteria provided, single submitter. Criteria: ICSL Variant Classification Criteria 13 December 2019. Collection method: clinical testing. Allele origin: germline.
Comment: This variant was observed in the ICSL laboratory as part of a predisposition screen in an ostensibly healthy population. It had not been previously curated by ICSL or reported in the Human Gene Mutation Database (HGMD: prior to June 1st, 2018), and was therefore a candidate for classification through an automated scoring system. Utilizing variant allele frequency, disease prevalence and penetrance estimates, and inheritance mode, an automated score was calculated to assess if this variant is too frequent to cause the disease. Based on the score and internal cut-off values, a variant classified as likely benign is not then subjected to further curation. The score for this variant resulted in a classification of likely benign for this disease.

Ambry Genetics
Classification: Likely benign for Cardiovascular phenotype. Last evaluated: 2017-05-26. Review status: criteria provided, single submitter. Criteria: Ambry Variant Classification Scheme 2023. Collection method: clinical testing. Allele origin: germline.

GeneDx
Classification: Benign. Last evaluated: 2015-03-03. Review status: criteria provided, single submitter. Criteria: GeneDx Variant Classification Process June 2021. Collection method: clinical testing. Allele origin: germline. Affected: yes.